The following is an entry in ClinVar:

NM_015909.4(NBAS):c.2742dup (p.Leu915fs)

Gene: NBAS (NBAS subunit of NRZ tethering complex; minus strand). Cytogenetic location: 2p24.3.
Variant type: Duplication.
Coding change: c.2742dup on transcript NM_015909.4 (MANE Select); coding-DNA position 2742, one base duplicated (A; older notation c.2742dupA).
Protein change: p.Leu915fs; shifts the reading frame from leucine 915.
Molecular consequence: frameshift variant. On other transcripts: non-coding transcript variant (1).
Genome position (GRCh38, 1-based): chr2:15,417,548, T duplicated on the plus strand (A on the coding strand, the reverse complement: NBAS is on the minus strand); the first of 5 consecutive T bases (chr2:15,417,548-15,417,552); duplicating any one gives the same sequence. VCF-style (leftmost placement, unchanged base first): chr2-15417547-G-GT. GRCh37 (hg19) VCF-style: chr2-15557671-G-GT.
Other names: short protein forms L915fs.
Identifiers: ClinVar variation 1456578 (VCV001456578.6), dbSNP rs2148463710, ClinGen allele CA2573133165.

ClinVar aggregate classification (germline): Pathogenic (1 of 4 stars; one submission).

Submission:

Labcorp Genetics (formerly Invitae), Labcorp
Classification: Pathogenic. Last evaluated: 2021-11-01. Review status: criteria provided, single submitter. Criteria: Invitae Variant Classification Sherloc (09022015). Collection method: clinical testing. Allele origin: germline.
Comment: This variant has not been reported in the literature in individuals affected with NBAS-related conditions. This variant is not present in population databases (gnomAD no frequency). For these reasons, this variant has been classified as Pathogenic. This sequence change creates a premature translational stop signal (p.Leu915Thrfs*7) in the NBAS gene. It is expected to result in an absent or disrupted protein product. Loss-of-function variants in NBAS are known to be pathogenic (PMID: 26073778, 26541327, 27789416, 28031453).

Literature cited by the submitters: PubMed 26073778; PubMed 26541327; PubMed 27789416; PubMed 28031453.